The following is an entry in ClinVar:

NM_001006630.2(CHRM2):c.457A>G (p.Ile153Val)

Genes: CHRM2 (cholinergic receptor muscarinic 2; plus strand), LOC349160 (uncharacterized LOC349160; minus strand). Cytogenetic location: 7q33.
Variant type: single nucleotide variant.
Coding change: c.457A>G on transcript NM_001006630.2 (MANE Select); coding-DNA position 457, A replaced by G.
Protein change: p.Ile153Val; replaces isoleucine 153 with valine.
Molecular consequence: missense variant.
Genome position (GRCh38, 1-based): chr7:137,015,322, A>G. VCF-style: chr7-137015322-A-G. GRCh37 (hg19) VCF-style: chr7-136700069-A-G.
Other names: c.457A>G, p.Ile153Val (NM_000739.3, NM_001006626.3, NM_001006627.3 and 6 more transcripts); short protein forms I153V.
Identifiers: ClinVar variation 2756088 (VCV002756088.3), dbSNP rs1383738640, ClinGen allele CA369486538.
Genomic context (GRCh38, chr7:137,015,322, plus strand): 5'-GTCAAGCGGACCACAAAAATGGCAGGTATGATGATTGCAGCTGCCTGGGTCCTCTCTTTC[A>G]TCCTCTGGGCTCCAGCCATTCTCTTCTGGCAGTTCATTGTAGGGGTGAGAACTGTGGAGG-3'
Protein context (NP_001006631.1, residues 143-163): MIAAAWVLSF[Ile153Val]LWAPAILFWQ

ClinVar aggregate classification (germline): Uncertain significance (1 of 4 stars; one submission).

Allele frequency attached by ClinVar (database versions not stated): gnomAD exomes 0.00001; TOPMed 0.00001; gnomAD 0.00001.
gnomAD v4.1: 4 of 1,613,174 alleles (0.00025%); highest among the groups gnomAD compares: Non-Finnish European, 0.00034%; no homozygotes.

Submission:

Labcorp Genetics (formerly Invitae), Labcorp
Classification: Uncertain significance. Last evaluated: 2023-09-10. Review status: criteria provided, single submitter. Criteria: Invitae Variant Classification Sherloc (09022015). Collection method: clinical testing. Allele origin: germline.
Comment: In summary, the available evidence is currently insufficient to determine the role of this variant in disease. Therefore, it has been classified as a Variant of Uncertain Significance. Algorithms developed to predict the effect of missense changes on protein structure and function output the following: SIFT: "Not Available"; PolyPhen-2: "Benign"; Align-GVGD: "Not Available". The valine amino acid residue is found in multiple mammalian species, which suggests that this missense change does not adversely affect protein function. This variant has not been reported in the literature in individuals affected with CHRM2-related conditions. This variant is present in population databases (no rsID available, gnomAD 0.0009%). This sequence change replaces isoleucine, which is neutral and non-polar, with valine, which is neutral and non-polar, at codon 153 of the CHRM2 protein (p.Ile153Val).